The following is an entry in ClinVar:

NM_000553.6(WRN):c.2029G>A (p.Gly677Arg)

Gene: WRN (WRN RecQ like helicase; plus strand). Cytogenetic location: 8p12.
Variant type: single nucleotide variant.
Coding change: c.2029G>A on transcript NM_000553.6 (MANE Select); coding-DNA position 2029, G replaced by A.
Protein change: p.Gly677Arg; replaces glycine 677 with arginine.
Molecular consequence: missense variant.
Genome position (GRCh38, 1-based): chr8:31,100,896, G>A. VCF-style: chr8-31100896-G-A. GRCh37 (hg19) VCF-style: chr8-30958412-G-A.
Other names: short protein forms G677R.
Identifiers: ClinVar variation 238133 (VCV000238133.8), dbSNP rs747026081, ClinGen allele CA4704601.

ClinVar aggregate classification (germline): Uncertain significance. Review status: criteria provided, single submitter (1 of 4 stars). 2 submissions from 2 submitters: Uncertain significance (1). 1 of the submissions does not count toward it. Last evaluated 2025-01-08.

Conditions:
WRN-related disorder. Also called: WRN-related condition.
Werner syndrome (WRN). Identifiers: Orphanet 902, MedGen C0043119, MONDO:0010196, OMIM 277700.

Allele frequency attached by ClinVar (database versions not stated): gnomAD 0.00007 and 0.00008; TOPMed 0.00008; gnomAD exomes 0.00011 and 0.00017; ExAC 0.00014.
gnomAD v4.1: 259 of 1,613,870 alleles (0.016%); highest among the groups gnomAD compares: Non-Finnish European, 0.021%; 1 homozygote.

Submissions (2):

Labcorp Genetics (formerly Invitae), Labcorp
Classification: Uncertain significance for Werner syndrome. Last evaluated: 2025-01-08. Review status: criteria provided, single submitter. Criteria: Invitae Variant Classification Sherloc (09022015). Collection method: clinical testing. Allele origin: germline.
Comment: This sequence change replaces glycine, which is neutral and non-polar, with arginine, which is basic and polar, at codon 677 of the WRN protein (p.Gly677Arg). This variant is present in population databases (rs747026081, gnomAD 0.02%), including at least one homozygous and/or hemizygous individual. This variant has not been reported in the literature in individuals affected with WRN-related conditions. ClinVar contains an entry for this variant (Variation ID: 238133). An algorithm developed to predict the effect of missense changes on protein structure and function (PolyPhen-2) suggests that this variant is likely to be disruptive. In summary, the available evidence is currently insufficient to determine the role of this variant in disease. Therefore, it has been classified as a Variant of Uncertain Significance.

PreventionGenetics, part of Exact Sciences
Classification: Likely benign for WRN-related condition. Last evaluated: 2024-03-20. Review status: no assertion criteria provided. Collection method: clinical testing. Allele origin: germline. Not counted in ClinVar's aggregate classification.
Comment: This variant is classified as likely benign based on ACMG/AMP sequence variant interpretation guidelines (Richards et al. 2015 PMID: 25741868, with internal and published modifications).